The following is an entry in ClinVar:

NM_021076.4(NEFH):c.1843C>T (p.Pro615Ser)

Gene: NEFH (neurofilament heavy chain; plus strand). Cytogenetic location: 22q12.2.
Variant type: single nucleotide variant.
Coding change: c.1843C>T on transcript NM_021076.4 (MANE Select); coding-DNA position 1843, C replaced by T.
Protein change: p.Pro615Ser; replaces proline 615 with serine.
Molecular consequence: missense variant.
Genome position (GRCh38, 1-based): chr22:29,489,483, C>T. VCF-style: chr22-29489483-C-T. GRCh37 (hg19) VCF-style: chr22-29885472-C-T.
Other names: short protein forms P615S.
Identifiers: ClinVar variation 4697590 (VCV004697590.1).
Genomic context (GRCh38, chr22:29,489,483, plus strand): 5'-CCGGCTGAGGCCAAGTCTCCAGAGAAGGCCAAGTCCCCAGTGAAGGAAGAAGCAAAGTCA[C>T]CGGCTGAGGCCAAGTCCCCAGTGAAGGAAGAAGCAAAATCTCCAGCTGAGGTCAAGTCCC-3'
Protein context (NP_066554.2, residues 605-625): KSPVKEEAKS[Pro615Ser]AEAKSPVKEE

ClinVar aggregate classification (germline): Uncertain significance (1 of 4 stars; one submission).

gnomAD v4.1: 1 of 1,599,712 alleles (0.000063%); highest among the groups gnomAD compares: Non-Finnish European, 0.000085%; no homozygotes.

Submission:

Labcorp Genetics (formerly Invitae), Labcorp
Classification: Uncertain significance. Last evaluated: 2025-09-23. Review status: criteria provided, single submitter. Criteria: Invitae Variant Classification Sherloc (09022015). Collection method: clinical testing. Allele origin: germline.
Comment: This sequence change replaces proline, which is neutral and non-polar, with serine, which is neutral and polar, at codon 615 of the NEFH protein (p.Pro615Ser). This variant is not present in population databases (gnomAD no frequency). This variant has not been reported in the literature in individuals affected with NEFH-related conditions. Invitae Evidence Modeling of protein sequence and biophysical properties (such as structural, functional, and spatial information, amino acid conservation, physicochemical variation, residue mobility, and thermodynamic stability) indicates that this missense variant is not expected to disrupt NEFH protein function with a negative predictive value of 95%. In summary, the available evidence is currently insufficient to determine the role of this variant in disease. Therefore, it has been classified as a Variant of Uncertain Significance.